The following is an entry in ClinVar:

ClinVar aggregate classification (germline): Uncertain significance (1 of 4 stars; one submission).

Conditions:
Infantile-onset ascending hereditary spastic paralysis (IAHSP). Also called: Autosomal Recessive Juvenile Amyotrophic Lateral Sclerosis; Infantile-Onset Ascending Hereditary Spastic Paralysis (IAHSP). Identifiers: Orphanet 293168, MedGen C2931441, MONDO:0011797, OMIM 607225. Disease mechanism: loss of function.

Submission:

Labcorp Genetics (formerly Invitae), Labcorp
Classification: Uncertain significance for Infantile-onset ascending hereditary spastic paralysis. Last evaluated: 2022-10-05. Review status: criteria provided, single submitter. Criteria: Invitae Variant Classification Sherloc (09022015). Collection method: clinical testing. Allele origin: germline.
Comment: In summary, the available evidence is currently insufficient to determine the role of this variant in disease. Therefore, it has been classified as a Variant of Uncertain Significance. This variant has not been reported in the literature in individuals affected with ALS2-related conditions. A copy number gain of the genomic region encompassing the full coding sequence of the ALS2 gene has been identified. The boundaries of this event are unknown as they extend beyond the assayed region for this gene and therefore may encompass additional genes. As the precise location of this event is unknown, it may be in tandem or it may be located elsewhere in the genome.

NC_000002.11:g.(?_202566574)_(202633608_?)dup

Gene: ALS2 (alsin Rho guanine nucleotide exchange factor ALS2; minus strand). Cytogenetic location: 2q33.1.
Variant type: Duplication.
Identifiers: ClinVar variation 2426627 (VCV002426627.4).